The following is an entry in ClinVar:

ClinVar aggregate classification (germline): Uncertain significance (1 of 4 stars; one submission).

Conditions:
Epidermodysplasia verruciformis. Identifiers: Orphanet 302, MedGen C0014522, MONDO:0009176.

Allele frequency attached by ClinVar (database versions not stated): TOPMed 0.00001; gnomAD exomes below 0.00001.
gnomAD v4.1: 1 of 1,613,204 alleles (0.000062%); highest among the groups gnomAD compares: Non-Finnish European, 0.000085%; no homozygotes.

Submission:

Labcorp Genetics (formerly Invitae), Labcorp
Classification: Uncertain significance for Epidermodysplasia verruciformis. Last evaluated: 2022-09-01. Review status: criteria provided, single submitter. Criteria: Invitae Variant Classification Sherloc (09022015). Collection method: clinical testing. Allele origin: germline.
Comment: This sequence change affects codon 223 of the TMC8 mRNA. It is a 'silent' change, meaning that it does not change the encoded amino acid sequence of the TMC8 protein. It affects a nucleotide within the consensus splice site. This variant is not present in population databases (gnomAD no frequency). This variant has not been reported in the literature in individuals affected with TMC8-related conditions. Algorithms developed to predict the effect of sequence changes on RNA splicing suggest that this variant may create or strengthen a splice site. In summary, the available evidence is currently insufficient to determine the role of this variant in disease. Therefore, it has been classified as a Variant of Uncertain Significance.

NM_152468.5(TMC8):c.669G>T (p.Arg223=)

Gene: TMC8 (transmembrane channel like 8; plus strand). Cytogenetic location: 17q25.3.
Variant type: single nucleotide variant.
Coding change: c.669G>T on transcript NM_152468.5 (MANE Select); coding-DNA position 669, G replaced by T.
Protein change: p.Arg223=; no amino-acid change (arginine 223 retained).
Molecular consequence: synonymous variant.
Genome position (GRCh38, 1-based): chr17:78,133,853, G>T. VCF-style: chr17-78133853-G-T. GRCh37 (hg19) VCF-style: chr17-76129934-G-T.
Identifiers: ClinVar variation 2116400 (VCV002116400.4), dbSNP rs2075127443, ClinGen allele CA502118613.